The following is an entry in ClinVar:

ClinVar aggregate classification (germline): Likely benign. Review status: criteria provided, multiple submitters, no conflicts (2 of 4 stars). 3 submissions from 3 submitters: Likely benign (3). Last evaluated 2025-09-05.

Allele frequency attached by ClinVar (database versions not stated): gnomAD exomes 0.00006; ExAC 0.00008; ESP Exome Variant Server 0.00008; 1000 Genomes Project 0.00020; TOPMed 0.00004; gnomAD 0.00006; 1000 Genomes Project 30x 0.00031.

Submissions (3):

Labcorp Genetics (formerly Invitae), Labcorp
Classification: Likely benign. Last evaluated: 2025-09-05. Review status: criteria provided, single submitter. Criteria: Invitae Variant Classification Sherloc (09022015). Collection method: clinical testing. Allele origin: germline.

Laboratory of Genetics, Children's Clinical University Hospital Latvia
Classification: Likely benign. Last evaluated: 2025-02-16. Review status: criteria provided, single submitter. Criteria: ACMG Guidelines, 2015. Collection method: clinical testing. Allele origin: germline. Affected: yes.

CeGaT Center for Human Genetics Tuebingen
Classification: Likely benign. Last evaluated: 2022-04-01. Review status: criteria provided, single submitter. Criteria: CeGaT Center For Human Genetics Tuebingen Variant Classification Criteria Version 2. Collection method: clinical testing. Allele origin: germline. Affected: yes. Observed: 1 variant allele.
Comment: SLIT2: BP4, BP7

NM_004787.4(SLIT2):c.2748A>G (p.Leu916=)

Gene: SLIT2 (slit guidance ligand 2; plus strand). Cytogenetic location: 4p15.31.
Variant type: single nucleotide variant.
Coding change: c.2748A>G on transcript NM_004787.4 (MANE Select); coding-DNA position 2748, A replaced by G.
Protein change: p.Leu916=; no amino-acid change (leucine 916 retained).
Molecular consequence: synonymous variant.
Genome position (GRCh38, 1-based): chr4:20,567,284, A>G. VCF-style: chr4-20567284-A-G. GRCh37 (hg19) VCF-style: chr4-20568907-A-G.
Other names: c.2736A>G, p.Leu912= (NM_001289135.3); c.2724A>G, p.Leu908= (NM_001289136.3).
Identifiers: ClinVar variation 2654693 (VCV002654693.28), dbSNP rs371836556, ClinGen allele CA2871932.